The following is an entry in ClinVar:

ClinVar aggregate classification (germline): Uncertain significance (1 of 4 stars; one submission).

Conditions:
Hereditary cancer-predisposing syndrome. Also called: Neoplastic Syndromes, Hereditary; Tumor predisposition; Hereditary Cancer Syndrome; Hereditary neoplastic syndrome. Identifiers: Orphanet 140162, MedGen C0027672, MeSH D009386, MONDO:0015356.

Submission:

Ambry Genetics
Classification: Uncertain significance for Hereditary cancer-predisposing syndrome. Last evaluated: 2024-12-16. Review status: criteria provided, single submitter. Criteria: Ambry Variant Classification Scheme 2023. Collection method: clinical testing. Allele origin: germline.
Comment: The p.D2133A variant (also known as c.6398A>C), located in coding exon 15 of the APC gene, results from an A to C substitution at nucleotide position 6398. The aspartic acid at codon 2133 is replaced by alanine, an amino acid with dissimilar properties. This amino acid position is highly conserved in available vertebrate species. In addition, in silico predictors for this gene do not accurately predict pathogenicity. Missense alterations in APC are not a common cause of disease (Spier I et al. Genet Med. 2024 Feb;26(2):100992). Based on the available evidence, the clinical significance of this variant remains unclear.

NM_000038.6(APC):c.6398A>C (p.Asp2133Ala)

Gene: APC (APC regulator of Wnt signaling pathway; plus strand). Cytogenetic location: 5q22.2.
Variant type: single nucleotide variant.
Coding change: c.6398A>C on transcript NM_000038.6 (MANE Select); coding-DNA position 6398, A replaced by C.
Protein change: p.Asp2133Ala; replaces aspartic acid 2133 with alanine.
Molecular consequence: missense variant.
Genome position (GRCh38, 1-based): chr5:112,841,992, A>C. VCF-style: chr5-112841992-A-C. GRCh37 (hg19) VCF-style: chr5-112177689-A-C.
Other names: c.6398A>C, p.Asp2133Ala (NM_001127510.3, NM_001354895.2, NM_001407450.1); c.6344A>C, p.Asp2115Ala (NM_001127511.3); c.6452A>C, p.Asp2151Ala (NM_001354896.2, NM_001407447.1, NM_001407448.1 and 1 more transcripts); c.6428A>C, p.Asp2143Ala (NM_001354897.2); c.6323A>C, p.Asp2108Ala (NM_001354898.2); c.6314A>C, p.Asp2105Ala (NM_001354899.2); c.6275A>C, p.Asp2092Ala (NM_001354900.2); c.6221A>C, p.Asp2074Ala (NM_001354901.2, NM_001407453.1); and 11 more; short protein forms D1749A, D2032A, D2042A, D2074A, D2108A, D2133A, D2143A, D2151A.
Identifiers: ClinVar variation 1753258 (VCV001753258.3), dbSNP rs1580670449, ClinGen allele CA16035339.